The following is an entry in ClinVar:

ClinVar aggregate classification (germline): Uncertain significance (1 of 4 stars; one submission).

Submission:

Labcorp Genetics (formerly Invitae), Labcorp
Classification: Uncertain significance. Last evaluated: 2022-11-15. Review status: criteria provided, single submitter. Criteria: Invitae Variant Classification Sherloc (09022015). Collection method: clinical testing. Allele origin: germline.
Comment: In summary, the available evidence is currently insufficient to determine the role of this variant in disease. Therefore, it has been classified as a Variant of Uncertain Significance. Experimental studies and prediction algorithms are not available or were not evaluated, and the functional significance of this variant is currently unknown. This variant has not been reported in the literature in individuals affected with POLE-related conditions. This variant results in a copy number gain of the genomic region encompassing exon(s) 1-21 of the POLE gene. This region includes the initiator codon of the gene. This copy number gain extends beyond the assayed region for this gene and therefore may encompass additional genes. As the precise location of this event is unknown, it may be in tandem or it may be located elsewhere in the genome.

NC_000012.11:g.(?_133241878)_(133263901_?)dup

Gene: POLE (DNA polymerase epsilon, catalytic subunit; minus strand). Cytogenetic location: 12q24.33.
Variant type: Duplication.
Identifiers: ClinVar variation 1444153 (VCV001444153.5).